The following is an entry in ClinVar:

NM_014727.3(KMT2B):c.15G>A (p.Ala5=)

Gene: KMT2B (lysine methyltransferase 2B; plus strand). Cytogenetic location: 19q13.12.
Variant type: single nucleotide variant.
Coding change: c.15G>A on transcript NM_014727.3 (MANE Select); coding-DNA position 15, G replaced by A.
Protein change: p.Ala5=; no amino-acid change (alanine 5 retained).
Molecular consequence: synonymous variant.
Genome position (GRCh38, 1-based): chr19:35,718,033, G>A. VCF-style: chr19-35718033-G-A. GRCh37 (hg19) VCF-style: chr19-36208935-G-A.
Identifiers: ClinVar variation 5039398 (VCV005039398.1).

ClinVar aggregate classification (germline): Likely benign (1 of 4 stars; one submission).

gnomAD v4.1: 6 of 985,258 alleles (0.00061%); highest among the groups gnomAD compares: Non-Finnish European, 0.00072%; no homozygotes.

Submission:

CeGaT Center for Human Genetics Tuebingen
Classification: Likely benign. Last evaluated: 2026-08-01. Review status: criteria provided, single submitter. Criteria: CeGaT Center For Human Genetics Tuebingen Variant Classification Criteria Version 2. Collection method: clinical testing. Allele origin: germline. Affected: yes. Observed: 1 variant allele.
Comment: KMT2B: BP4, BP7